The following is an entry in ClinVar:

ClinVar aggregate classification (germline): Uncertain significance (1 of 4 stars; one submission).

gnomAD v4.1: 1 of 1,610,166 alleles (0.000062%); highest among the groups gnomAD compares: Admixed American, 0.0017%; no homozygotes.

Submission:

Labcorp Genetics (formerly Invitae), Labcorp
Classification: Uncertain significance. Last evaluated: 2024-07-12. Review status: criteria provided, single submitter. Criteria: Invitae Variant Classification Sherloc (09022015). Collection method: clinical testing. Allele origin: germline.
Comment: This sequence change replaces threonine, which is neutral and polar, with lysine, which is basic and polar, at codon 290 of the NUP133 protein (p.Thr290Lys). The frequency data for this variant in the population databases is considered unreliable, as metrics indicate poor data quality at this position in the gnomAD database. This variant has not been reported in the literature in individuals affected with NUP133-related conditions. An algorithm developed to predict the effect of missense changes on protein structure and function (PolyPhen-2) suggests that this variant is likely to be disruptive. In summary, the available evidence is currently insufficient to determine the role of this variant in disease. Therefore, it has been classified as a Variant of Uncertain Significance.

NM_018230.3(NUP133):c.869C>A (p.Thr290Lys)

Gene: NUP133 (nucleoporin 133; minus strand). Cytogenetic location: 1q42.13.
Variant type: single nucleotide variant.
Coding change: c.869C>A on transcript NM_018230.3 (MANE Select); coding-DNA position 869, C replaced by A.
Protein change: p.Thr290Lys; replaces threonine 290 with lysine.
Molecular consequence: missense variant.
Genome position (GRCh38, 1-based): chr1:229,495,998, G>T on the plus strand (C>A on the coding strand, the complement: NUP133 is on the minus strand). VCF-style: chr1-229495998-G-T. GRCh37 (hg19) VCF-style: chr1-229631745-G-T.
Other names: short protein forms T290K.
Identifiers: ClinVar variation 3007507 (VCV003007507.3), dbSNP rs766550059, ClinGen allele CA345167951.